The following is an entry in ClinVar:

ClinVar aggregate classification (germline): Likely pathogenic (1 of 4 stars; one submission).

gnomAD v4.1: 2 of 1,613,350 alleles (0.00012%); highest among the groups gnomAD compares: South Asian, 0.0011%; no homozygotes.

Submission:

GeneDx
Classification: Likely pathogenic. Last evaluated: 2026-04-11. Review status: criteria provided, single submitter. Criteria: GeneDx Variant Classification Process June 2021. Collection method: clinical testing. Allele origin: germline.
Comment: Reported previously as the same amino acid change p.(M528I) due to a different nucleotide change c.1584 G>T; segregates in the heterozygous state in 3 family members with short stature (PMID: 25777271); Published functional studies for the same amino acid change due to different nucleotide change c.1584 G>T p.(M528I) demonstrate activation of FGFR3 (PMID: 25777271); In silico analysis supports that this missense variant has a deleterious effect on protein structure/function; This variant is associated with the following publications: (PMID: 25777271, 37956738, Ziv2026[Abstract], Wang2026[Poster])

NM_000142.5(FGFR3):c.1584G>A (p.Met528Ile)

Gene: FGFR3 (fibroblast growth factor receptor 3; plus strand). Cytogenetic location: 4p16.3.
Variant type: single nucleotide variant.
Coding change: c.1584G>A on transcript NM_000142.5 (MANE Select); coding-DNA position 1584, G replaced by A.
Protein change: p.Met528Ile; replaces methionine 528 with isoleucine.
Molecular consequence: missense variant. On other transcripts: non-coding transcript variant (1).
Genome position (GRCh38, 1-based): chr4:1,805,608, G>A. VCF-style: chr4-1805608-G-A. GRCh37 (hg19) VCF-style: chr4-1807335-G-A.
Other names: c.1590G>A, p.Met530Ile (NM_001163213.2); c.1587G>A, p.Met529Ile (NM_001354809.2, NM_001354810.2); c.1248G>A, p.Met416Ile (NM_022965.4); short protein forms M416I, M528I, M529I, M530I.
Identifiers: ClinVar variation 5016768 (VCV005016768.1).
Genomic context (GRCh38, chr4:1,805,608, plus strand): 5'-TCCGTGCACAGACGATGCCACTGACAAGGACCTGTCGGACCTGGTGTCTGAGATGGAGAT[G>A]ATGAAGATGATCGGGAAACACAAAAACATCATCAACCTGCTGGGCGCCTGCACGCAGGGC-3'
Protein context (NP_000133.1, residues 518-538): DLSDLVSEME[Met528Ile]MKMIGKHKNI